The following is an entry in ClinVar:

NM_002547.3(OPHN1):c.529T>A (p.Ser177Thr)

Gene: OPHN1 (oligophrenin 1; minus strand). Cytogenetic location: Xq12.
Variant type: single nucleotide variant.
Coding change: c.529T>A on transcript NM_002547.3 (MANE Select); coding-DNA position 529, T replaced by A.
Protein change: p.Ser177Thr; replaces serine 177 with threonine.
Molecular consequence: missense variant.
Genome position (GRCh38, 1-based): chrX:68,213,930, A>T on the plus strand (T>A on the coding strand, the complement: OPHN1 is on the minus strand). VCF-style: chrX-68213930-A-T. GRCh37 (hg19) VCF-style: chrX-67433772-A-T.
Other names: short protein forms S177T.
Identifiers: ClinVar variation 1746678 (VCV001746678.2), dbSNP rs1247862355, ClinGen allele CA413434658.

ClinVar aggregate classification (germline): Uncertain significance (1 of 4 stars; one submission).

Conditions:
Inborn genetic diseases. Identifiers: MedGen C0950123, MeSH D030342.

Allele frequency attached by ClinVar (database versions not stated): gnomAD exomes 0.00001.
gnomAD v4.1: 6 of 1,205,375 alleles (0.0005%); highest among the groups gnomAD compares: Admixed American, 0.013%; no homozygotes.

Submission:

Ambry Genetics
Classification: Uncertain significance for Inborn genetic diseases. Last evaluated: 2017-09-28. Review status: criteria provided, single submitter. Criteria: Ambry Variant Classification Scheme 2023. Collection method: clinical testing. Allele origin: germline.
Comment: The p.S177T variant (also known as c.529T>A), located in coding exon 6 of the OPHN1 gene, results from a T to A substitution at nucleotide position 529. The serine at codon 177 is replaced by threonine, an amino acid with similar properties. This amino acid position is not well conserved in available vertebrate species. In addition, this alteration is predicted to be tolerated by in silico analysis. Since supporting evidence is limited at this time, the clinical significance of this alteration remains unclear.